The following is an entry in ClinVar:

ClinVar aggregate classification (germline): Benign/Likely benign. Review status: criteria provided, multiple submitters, no conflicts (2 of 4 stars). 3 submissions from 3 submitters: Benign (1); Likely benign (1). 1 of the submissions does not count toward it. Last evaluated 2025-06-12.

Conditions:
Focal segmental glomerulosclerosis 1 (FSGS1). Identifiers: Orphanet 656, MedGen C4551527, MONDO:0011303, OMIM 603278.
ACTN4-related disorder. Also called: ACTN4-related condition.

Allele frequency attached by ClinVar (database versions not stated): gnomAD exomes 0.00010 and 0.00012; ExAC 0.00015; TOPMed 0.00033; gnomAD 0.00037 and 0.00041; 1000 Genomes Project 0.00040; 1000 Genomes Project 30x 0.00047; ESP Exome Variant Server 0.00062.
gnomAD v4.1: 213 of 1,613,386 alleles (0.013%); highest among the groups gnomAD compares: African/African-American, 0.1%; no homozygotes.

Submissions (3):

Labcorp Genetics (formerly Invitae), Labcorp
Classification: Benign. Last evaluated: 2025-06-12. Review status: criteria provided, single submitter. Criteria: Invitae Variant Classification Sherloc (09022015). Collection method: clinical testing. Allele origin: germline.

Fulgent Genetics
Classification: Likely benign for Focal segmental glomerulosclerosis 1. Last evaluated: 2021-08-30. Review status: criteria provided, single submitter. Criteria: ACMG Guidelines, 2015. Collection method: clinical testing. Allele origin: unknown.

PreventionGenetics, part of Exact Sciences
Classification: Likely benign for ACTN4-related condition. Last evaluated: 2020-06-26. Review status: no assertion criteria provided. Collection method: clinical testing. Allele origin: germline. Not counted in ClinVar's aggregate classification.
Comment: This variant is classified as likely benign based on ACMG/AMP sequence variant interpretation guidelines (Richards et al. 2015 PMID: 25741868, with internal and published modifications).

NM_004924.6(ACTN4):c.2011-5C>T

Gene: ACTN4 (actinin alpha 4; plus strand). Cytogenetic location: 19q13.2.
Variant type: single nucleotide variant.
Coding change: c.2011-5C>T on transcript NM_004924.6 (MANE Select); 5 bases into the intron before coding-DNA position 2011, C replaced by T.
Molecular consequence: intron variant.
Genome position (GRCh38, 1-based): chr19:38,725,719, C>T. VCF-style: chr19-38725719-C-T. GRCh37 (hg19) VCF-style: chr19-39216359-C-T.
Other names: c.2011-5C>T (NM_001322033.2, NM_004924.5).
Identifiers: ClinVar variation 1170443 (VCV001170443.12), dbSNP rs372743117, ClinGen allele CA9417863.